The following is an entry in ClinVar:

NM_000256.3(MYBPC3):c.654+293T>G

Gene: MYBPC3 (myosin binding protein C3; minus strand). Cytogenetic location: 11p11.2.
Variant type: single nucleotide variant.
Coding change: c.654+293T>G on transcript NM_000256.3 (MANE Select); 293 bases into the intron after coding-DNA position 654, T replaced by G.
Molecular consequence: intron variant.
Genome position (GRCh38, 1-based): chr11:47,349,481, A>C on the plus strand (T>G on the coding strand, the complement: MYBPC3 is on the minus strand). VCF-style: chr11-47349481-A-C. GRCh37 (hg19) VCF-style: chr11-47371032-A-C.
Identifiers: ClinVar variation 680651 (VCV000680651.1), dbSNP rs2697919, ClinGen allele CA16417279.

ClinVar aggregate classification (germline): Benign (1 of 4 stars; one submission).

Allele frequency attached by ClinVar (database versions not stated): 1000 Genomes Project 30x 0.93488; 1000 Genomes Project 0.93610; gnomAD 0.96822 and 0.97281; TOPMed 0.97302.

Submission:

GeneDx
Classification: Benign. Last evaluated: 2018-06-14. Review status: criteria provided, single submitter. Criteria: GeneDx Variant Classification (06012015). Collection method: clinical testing. Allele origin: germline. Affected: yes.
Comment: This variant is considered likely benign or benign based on one or more of the following criteria: it is a conservative change, it occurs at a poorly conserved position in the protein, it is predicted to be benign by multiple in silico algorithms, and/or has population frequency not consistent with disease.